The following is an entry in ClinVar:

ClinVar aggregate classification (germline): Uncertain significance (1 of 4 stars; one submission).

Submission:

Labcorp Genetics (formerly Invitae), Labcorp
Classification: Uncertain significance. Last evaluated: 2022-11-24. Review status: criteria provided, single submitter. Criteria: Invitae Variant Classification Sherloc (09022015). Collection method: clinical testing. Allele origin: germline.
Comment: This sequence change falls in intron 17 of the SCN3A gene. It does not directly change the encoded amino acid sequence of the SCN3A protein. It affects a nucleotide within the consensus splice site. In summary, the available evidence is currently insufficient to determine the role of this variant in disease. Therefore, it has been classified as a Variant of Uncertain Significance. Variants that disrupt the consensus splice site are a relatively common cause of aberrant splicing (PMID: 17576681, 9536098). Algorithms developed to predict the effect of sequence changes on RNA splicing suggest that this variant is not likely to affect RNA splicing. This variant has not been reported in the literature in individuals affected with SCN3A-related conditions. This variant is not present in population databases (gnomAD no frequency).

Literature cited by the submitters: PubMed 17576681; PubMed 9536098.

NM_006922.4(SCN3A):c.2922+4T>C

Gene: SCN3A (sodium voltage-gated channel alpha subunit 3; minus strand). Cytogenetic location: 2q24.3.
Variant type: single nucleotide variant.
Coding change: c.2922+4T>C on transcript NM_006922.4 (MANE Select); 4 bases into the intron after coding-DNA position 2922, T replaced by C.
Molecular consequence: intron variant.
Genome position (GRCh38, 1-based): chr2:165,129,936, A>G on the plus strand (T>C on the coding strand, the complement: SCN3A is on the minus strand). VCF-style: chr2-165129936-A-G. GRCh37 (hg19) VCF-style: chr2-165986446-A-G.
Other names: c.2775+4T>C (NM_001081676.2, NM_001081677.2).
Identifiers: ClinVar variation 2816303 (VCV002816303.3), dbSNP rs748261478, ClinGen allele CA2700718888.